The following is an entry in ClinVar:

ClinVar aggregate classification (germline): Conflicting classifications of pathogenicity. Review status: criteria provided, conflicting classifications (1 of 4 stars). 6 submissions from 6 submitters: Uncertain significance (4); Likely benign (1). 1 of the submissions does not count toward it. Last evaluated 2025-05-15.

Conditions:
Inborn genetic diseases. Identifiers: MedGen C0950123, MeSH D030342.
Charcot-Marie-Tooth disease type 2. Also called: Charcot-Marie-Tooth type 2. Identifiers: Orphanet 64746, MedGen C0270914, MONDO:0018993.
BSCL2-related disorder. Also called: BSCL2-related condition; BSCL2-Related Disorders.
Congenital generalized lipodystrophy type 2 (CGL2). Also called: SEIP SYNDROME; BERARDINELLI SYNDROME; BRUNZELL SYNDROME, BSCL2-RELATED; Berardinelli-Seip Congenital Lipodystrophy Type 2. Identifiers: Orphanet 528, Orphanet 696289, MedGen C1720863, MONDO:0010020, OMIM 269700.
Severe neurodegenerative syndrome with lipodystrophy. Also called: ENCEPHALOPATHY, PROGRESSIVE, WITH LIPODYSTROPHY; Encephalopathy, progressive, with or without lipodystrophy. Identifiers: Orphanet 363400, MedGen C4014700, MONDO:0014402, OMIM 615924.
Hereditary spastic paraplegia 17. Also called: Silver spastic paraplegia syndrome; SPASTIC PARAPLEGIA WITH AMYOTROPHY OF HANDS AND FEET; Spastic Paraplegia 17; Autosomal dominant spastic paraplegia type 17; Silver Syndrome. Identifiers: Orphanet 100998, MedGen C2931276, MONDO:0010043, OMIM 270685.
Neuronopathy, distal hereditary motor, type 5C. Also called: NEURONOPATHY, DISTAL HEREDITARY MOTOR, AUTOSOMAL DOMINANT 13; DHMN VC; NEURONOPATHY, DISTAL HEREDITARY MOTOR, HARDING TYPE VC; NEUROPATHY, DISTAL HEREDITARY MOTOR, HARDING TYPE VC; SPINAL MUSCULAR ATROPHY, DISTAL, HARDING TYPE VC. Identifiers: MedGen C5436838, MONDO:0030860, OMIM 619112.
Hereditary spastic paraplegia. Also called: Familial spastic paraparesis. Identifiers: Orphanet 685, MedGen C0037773, MONDO:0019064. Disease mechanism: loss of function.

Allele frequency attached by ClinVar (database versions not stated): gnomAD 0.00004 and 0.00003; ExAC 0.00003; gnomAD exomes 0.00007 and 0.00003; TOPMed 0.00003.

Submissions (6):

Labcorp Genetics (formerly Invitae), Labcorp
Classification: Uncertain significance for Charcot-Marie-Tooth disease type 2. Last evaluated: 2025-05-15. Review status: criteria provided, single submitter. Criteria: Invitae Variant Classification Sherloc (09022015). Collection method: clinical testing. Allele origin: germline.
Comment: This sequence change replaces valine, which is neutral and non-polar, with isoleucine, which is neutral and non-polar, at codon 248 of the BSCL2 protein (p.Val248Ile). This variant is present in population databases (rs754683462, gnomAD 0.01%). This variant has not been reported in the literature in individuals affected with BSCL2-related conditions. ClinVar contains an entry for this variant (Variation ID: 617998). Invitae Evidence Modeling of protein sequence and biophysical properties (such as structural, functional, and spatial information, amino acid conservation, physicochemical variation, residue mobility, and thermodynamic stability) indicates that this missense variant is not expected to disrupt BSCL2 protein function with a negative predictive value of 80%. In summary, the available evidence is currently insufficient to determine the role of this variant in disease. Therefore, it has been classified as a Variant of Uncertain Significance.

Fulgent Genetics
Classification: Uncertain significance for Congenital generalized lipodystrophy type 2; Hereditary spastic paraplegia 17; Severe neurodegenerative syndrome with lipodystrophy; Neuronopathy, distal hereditary motor, type 5C. Last evaluated: 2024-03-12. Review status: criteria provided, single submitter. Criteria: ACMG Guidelines, 2015. Collection method: clinical testing. Allele origin: germline.

Ambry Genetics
Classification: Uncertain significance for Inborn genetic diseases. Last evaluated: 2023-02-23. Review status: criteria provided, single submitter. Criteria: Ambry Variant Classification Scheme 2023. Collection method: clinical testing. Allele origin: germline.

Cambridge Genomics Laboratory, East Genomic Laboratory Hub, NHS Genomic Medicine Service
Classification: Likely benign for Hereditary spastic paraplegia. Last evaluated: 2020-04-29. Review status: criteria provided, single submitter. Criteria: ACGS Best Practice Guidelines for Variant Classification in Rare Disease 2020. Collection method: clinical testing. Allele origin: germline. Affected: yes. Observed: 1 variant allele.

ARUP Laboratories, Molecular Genetics and Genomics, ARUP Laboratories
Classification: Uncertain significance. Last evaluated: 2017-11-17. Review status: criteria provided, single submitter. Criteria: ARUP Molecular Germline Variant Investigation Process. Collection method: clinical testing. Allele origin: germline.
Comment: The p.Val248Ile variant (rs754683462) has not been reported in the medical literature, is not listed in gene-specific variant databases, nor has it been previously identified in our laboratory. The p.Val248Ile variant is listed in the Genome Aggregation Database (gnomAD) browser with an overall allele frequency of 0.0032% (identified in 9 out of 277,228 chromosomes). The valine at codon 248 is highly conserved considering 12 species up to fruit fly (Alamut software v2.10.0), but computational analyses predict conflicting effects of this variant on protein structure/function (SIFT: tolerated, PolyPhen2: benign, MutationTaster: disease causing). Based on the available information, the clinical significance of the p.Val248Ile variant cannot be determined with certainty.

PreventionGenetics, part of Exact Sciences
Classification: Uncertain significance for BSCL2-related condition. Last evaluated: 2024-09-07. Review status: no assertion criteria provided. Collection method: clinical testing. Allele origin: germline. Not counted in ClinVar's aggregate classification.
Comment: The BSCL2 c.934G>A variant is predicted to result in the amino acid substitution p.Val312Ile. To our knowledge, this variant has not been reported in the literature. This variant is reported in 0.0096% of alleles in individuals of Ashkenazi Jewish descent in gnomAD. At this time, the clinical significance of this variant is uncertain due to the absence of conclusive functional and genetic evidence.

NM_001122955.4(BSCL2):c.934G>A (p.Val312Ile)

Genes: BSCL2 (BSCL2 lipid droplet biogenesis associated, seipin; minus strand), HNRNPUL2-BSCL2 (HNRNPUL2-BSCL2 readthrough (NMD candidate); minus strand). Cytogenetic location: 11q12.3.
Variant type: single nucleotide variant.
Coding change: c.934G>A on transcript NM_001122955.4 (MANE Select); coding-DNA position 934, G replaced by A.
Protein change: p.Val312Ile; replaces valine 312 with isoleucine.
Molecular consequence: missense variant. On other transcripts: non-coding transcript variant (1), intron variant (1).
Genome position (GRCh38, 1-based): chr11:62,691,351, C>T on the plus strand (G>A on the coding strand, the complement: BSCL2 is on the minus strand). VCF-style: chr11-62691351-C-T. GRCh37 (hg19) VCF-style: chr11-62458823-C-T.
Other names: c.934G>A (NM_001122955.3); c.934G>A, p.Val312Ile (NM_001386027.1, NM_001386028.1); c.742G>A, p.Val248Ile (NM_032667.6); c.672-210G>A (NM_001130702.2); short protein forms V248I, V312I.
Identifiers: ClinVar variation 617998 (VCV000617998.22), dbSNP rs754683462, ClinGen allele CA6053405.